The following is an entry in ClinVar:

ClinVar aggregate classification (germline): Benign/Likely benign. Review status: criteria provided, multiple submitters, no conflicts (2 of 4 stars). 5 submissions from 5 submitters: Benign (1); Likely benign (3). 1 of the submissions does not count toward it. Last evaluated 2026-01-28.

Conditions:
Immunodeficiency-centromeric instability-facial anomalies syndrome 4 (ICF4). Identifiers: Orphanet 2268, MedGen C4310798, MONDO:0014829, OMIM 616911.
HELLS-related disorder. Also called: HELLS-related condition.

Allele frequency attached by ClinVar (database versions not stated): TOPMed 0.00137; gnomAD 0.00146 and 0.00166; ESP Exome Variant Server 0.00154; ExAC 0.00166.

Submissions (5):

Labcorp Genetics (formerly Invitae), Labcorp
Classification: Benign. Last evaluated: 2026-01-28. Review status: criteria provided, single submitter. Criteria: Invitae Variant Classification Sherloc (09022015). Collection method: clinical testing. Allele origin: germline.

Blueprint Genetics
Classification: Likely benign. Last evaluated: 2024-11-27. Review status: criteria provided, single submitter. Criteria: ACMG Guidelines, 2015. Collection method: clinical testing. Allele origin: germline.

ARUP Laboratories, Molecular Genetics and Genomics, ARUP Laboratories
Classification: Likely benign for Immunodeficiency-centromeric instability-facial anomalies syndrome 4. Last evaluated: 2020-12-05. Review status: criteria provided, single submitter. Criteria: ARUP Molecular Germline Variant Investigation Process 2021. Collection method: clinical testing. Allele origin: germline.

Breakthrough Genomics
Classification: Likely benign. Review status: criteria provided, single submitter. Criteria: ACMG Guidelines, 2015. Collection method: not provided. Allele origin: germline. Inheritance: Autosomal recessive inheritance. Affected: yes.

PreventionGenetics, part of Exact Sciences
Classification: Likely benign for HELLS-related condition. Last evaluated: 2020-07-09. Review status: no assertion criteria provided. Collection method: clinical testing. Allele origin: germline. Not counted in ClinVar's aggregate classification.
Comment: This variant is classified as likely benign based on ACMG/AMP sequence variant interpretation guidelines (Richards et al. 2015 PMID: 25741868, with internal and published modifications).

NM_018063.5(HELLS):c.334G>A (p.Gly112Ser)

Gene: HELLS (helicase, lymphoid specific; plus strand). Cytogenetic location: 10q23.33.
Variant type: single nucleotide variant.
Coding change: c.334G>A on transcript NM_018063.5 (MANE Select); coding-DNA position 334, G replaced by A.
Protein change: p.Gly112Ser; replaces glycine 112 with serine.
Molecular consequence: missense variant. On other transcripts: 5 prime UTR variant (4).
Genome position (GRCh38, 1-based): chr10:94,562,691, G>A. VCF-style: chr10-94562691-G-A. GRCh37 (hg19) VCF-style: chr10-96322448-G-A.
Other names: c.334G>A, p.Gly112Ser (NM_001289067.2, NM_001289069.2, NM_001289070.2 and 1 more transcripts); c.286G>A, p.Gly96Ser (NM_001289068.2); c.-39G>A (NM_001289071.2); c.-16G>A (NM_001289073.2); c.-669G>A (NM_001289074.2); c.-688G>A (NM_001289075.2); short protein forms G112S, G96S.
Identifiers: ClinVar variation 790454 (VCV000790454.21), dbSNP rs148139900, ClinGen allele CA5615247.